The following is an entry in ClinVar:

NM_005732.4(RAD50):c.3314G>C (p.Arg1105Thr)

Gene: RAD50 (RAD50 double strand break repair protein; plus strand). Cytogenetic location: 5q31.1.
Variant type: single nucleotide variant.
Coding change: c.3314G>C on transcript NM_005732.4 (MANE Select); coding-DNA position 3314, G replaced by C.
Protein change: p.Arg1105Thr; replaces arginine 1105 with threonine.
Molecular consequence: missense variant.
Genome position (GRCh38, 1-based): chr5:132,618,219, G>C. VCF-style: chr5-132618219-G-C. GRCh37 (hg19) VCF-style: chr5-131953911-G-C.
Other names: short protein forms R1105T.
Identifiers: ClinVar variation 3942204 (VCV003942204.1).

ClinVar aggregate classification (germline): Uncertain significance (1 of 4 stars; one submission).

Conditions:
Hereditary cancer-predisposing syndrome. Also called: Tumor predisposition; Hereditary neoplastic syndrome; Hereditary Cancer Syndrome; Neoplastic Syndromes, Hereditary. Identifiers: Orphanet 140162, MedGen C0027672, MeSH D009386, MONDO:0015356.

Submission:

Ambry Genetics
Classification: Uncertain significance for Hereditary cancer-predisposing syndrome. Last evaluated: 2025-05-25. Review status: criteria provided, single submitter. Criteria: Ambry Variant Classification Scheme 2023. Collection method: clinical testing. Allele origin: germline.
Comment: The p.R1105T variant (also known as c.3314G>C), located in coding exon 21 of the RAD50 gene, results from a G to C substitution at nucleotide position 3314. The arginine at codon 1105 is replaced by threonine, an amino acid with similar properties. This amino acid position is conserved. In addition, the in silico prediction for this alteration is inconclusive. Based on the available evidence, the clinical significance of this variant remains unclear.